The following is an entry in ClinVar:

ClinVar aggregate classification (germline): Uncertain significance (1 of 4 stars; one submission).

Conditions:
Hereditary cancer-predisposing syndrome. Also called: Neoplastic Syndromes, Hereditary; Tumor predisposition; Hereditary Cancer Syndrome; Hereditary neoplastic syndrome. Identifiers: Orphanet 140162, MedGen C0027672, MeSH D009386, MONDO:0015356.

Submission:

Ambry Genetics
Classification: Uncertain significance for Hereditary cancer-predisposing syndrome. Last evaluated: 2025-10-29. Review status: criteria provided, single submitter. Criteria: Ambry Variant Classification Scheme 2023. Collection method: clinical testing. Allele origin: germline.
Comment: The p.P1486S variant (also known as c.4456C>T), located in coding exon 29 of the ALK gene, results from a C to T substitution at nucleotide position 4456. The proline at codon 1486 is replaced by serine, an amino acid with similar properties. This amino acid position is well conserved in available vertebrate species. In addition, this alteration is predicted to be tolerated by in silico analysis. Based on the available evidence, the clinical significance of this variant remains unclear.

NM_004304.5(ALK):c.4456C>T (p.Pro1486Ser)

Gene: ALK (ALK receptor tyrosine kinase; minus strand). Cytogenetic location: 2p23.2.
Variant type: single nucleotide variant.
Coding change: c.4456C>T on transcript NM_004304.5 (MANE Select); coding-DNA position 4456, C replaced by T.
Protein change: p.Pro1486Ser; replaces proline 1486 with serine.
Molecular consequence: missense variant.
Genome position (GRCh38, 1-based): chr2:29,193,631, G>A on the plus strand (C>T on the coding strand, the complement: ALK is on the minus strand). VCF-style: chr2-29193631-G-A. GRCh37 (hg19) VCF-style: chr2-29416497-G-A.
Other names: c.1252C>T, p.Pro418Ser (NM_001353765.2); short protein forms P1486S, P418S.
Identifiers: ClinVar variation 4675945 (VCV004675945.1).